The following is an entry in ClinVar:

ClinVar aggregate classification (germline): Likely benign. Review status: criteria provided, multiple submitters, no conflicts (2 of 4 stars). 3 submissions from 3 submitters: Likely benign (3). Last evaluated 2024-11-18.

Conditions:
Atypical hemolytic-uremic syndrome with thrombomodulin anomaly. Also called: HEMOLYTIC UREMIC SYNDROME, ATYPICAL, SUSCEPTIBILITY TO, 6; AHUS, SUSCEPTIBILITY TO, 6. Identifiers: MedGen C2752036, MONDO:0013044, OMIM 612926. Disease mechanism: gain of function.

Allele frequency attached by ClinVar (database versions not stated): 1000 Genomes Project 30x 0.00016; ESP Exome Variant Server 0.00019; gnomAD 0.00026 and 0.00028; gnomAD exomes 0.00031 and 0.00062; TOPMed 0.00037; ExAC 0.00123.

Submissions (3):

Blueprint Genetics
Classification: Likely benign. Last evaluated: 2024-11-18. Review status: criteria provided, single submitter. Criteria: ACMG Guidelines, 2015. Collection method: clinical testing. Allele origin: germline.

Illumina Laboratory Services, Illumina
Classification: Likely benign for Atypical hemolytic-uremic syndrome with thrombomodulin anomaly. Last evaluated: 2017-04-27. Review status: criteria provided, single submitter. Criteria: ICSL Variant Classification Criteria 13 December 2019. Collection method: clinical testing. Allele origin: germline.
Comment: This variant was observed as part of a predisposition screen in an ostensibly healthy population. A literature search was performed for the gene, cDNA change, and amino acid change (where applicable). No publications were found based on this search. Allele frequency data from public databases allowed determination this variant is unlikely to cause disease. Therefore, this variant is classified as likely benign.

Breakthrough Genomics
Classification: Likely benign. Review status: criteria provided, single submitter. Criteria: ACMG Guidelines, 2015. Collection method: not provided. Allele origin: germline. Inheritance: Autosomal dominant inheritance. Affected: yes.

NM_000361.3(THBD):c.-12C>T

Gene: THBD (thrombomodulin; minus strand). Cytogenetic location: 20p11.21.
Variant type: single nucleotide variant.
Coding change: c.-12C>T on transcript NM_000361.3 (MANE Select); 12 bases upstream of the start codon, C replaced by T.
Molecular consequence: 5 prime UTR variant.
Genome position (GRCh38, 1-based): chr20:23,049,516, G>A on the plus strand (C>T on the coding strand, the complement: THBD is on the minus strand). VCF-style: chr20-23049516-G-A. GRCh37 (hg19) VCF-style: chr20-23030153-G-A.
Identifiers: ClinVar variation 337895 (VCV000337895.7), dbSNP rs370548660, ClinGen allele CA9787817.